The following is an entry in ClinVar:

ClinVar aggregate classification (germline): Benign (1 of 4 stars; one submission).

Conditions:
Junctional epidermolysis bullosa with pyloric atresia. Also called: ITGB4-Related Epidermolysis Bullosa with Pyloric Atresia; ITGA6-Related Epidermolysis Bullosa with Pyloric Atresia; EPIDERMOLYSIS BULLOSA, JUNCTIONAL 5B, WITH PYLORIC ATRESIA; APLASIA CUTIS CONGENITA WITH GASTROINTESTINAL ATRESIA; CARMI SYNDROME; EB-PA-ACC. Identifiers: Orphanet 79403, MedGen C5676875, MONDO:0009183, OMIM 226730.

Allele frequency attached by ClinVar (database versions not stated): gnomAD 0.00661 and 0.00704; TOPMed 0.00781; 1000 Genomes Project 0.00919; 1000 Genomes Project 30x 0.00999.

Submission:

Illumina Laboratory Services, Illumina
Classification: Benign for Junctional epidermolysis bullosa with pyloric atresia. Last evaluated: 2018-01-13. Review status: criteria provided, single submitter. Criteria: ICSL Variant Classification Criteria 13 December 2019. Collection method: clinical testing. Allele origin: germline.
Comment: This variant was observed in the ICSL laboratory as part of a predisposition screen in an ostensibly healthy population. It had not been previously curated by ICSL or reported in the Human Gene Mutation Database (HGMD: prior to June 1st, 2018), and was therefore a candidate for classification through an automated scoring system. Utilizing variant allele frequency, disease prevalence and penetrance estimates, and inheritance mode, an automated score was calculated to assess if this variant is too frequent to cause the disease. Based on the score and internal cut-off values, a variant classified as benign is not then subjected to further curation. The score for this variant resulted in a classification of benign for this disease.

NM_000210.4(ITGA6):c.*2349T>C

Genes: ITGA6 (integrin subunit alpha 6; plus strand), PDK1-AS1 (PDK1 and ITGA6 antisense RNA 1; minus strand). Cytogenetic location: 2q31.1.
Variant type: single nucleotide variant.
Coding change: c.*2349T>C on transcript NM_000210.4 (MANE Select); 2349 bases downstream of the stop codon, T replaced by C.
Molecular consequence: 3 prime UTR variant.
Genome position (GRCh38, 1-based): chr2:172,506,417, T>C. VCF-style: chr2-172506417-T-C. GRCh37 (hg19) VCF-style: chr2-173371145-T-C.
Other names: c.*2165T>C (NM_001079818.3, NM_001365529.2); c.*2349T>C (NM_001316306.2, NM_001365530.2).
Identifiers: ClinVar variation 332424 (VCV000332424.5), dbSNP rs16860641, ClinGen allele CA10611412.